The following is an entry in ClinVar:

ClinVar aggregate classification (germline): Uncertain significance (1 of 4 stars; one submission).

Conditions:
Immunodeficiency, common variable, 7. Identifiers: Orphanet 1572, Orphanet 696894, MedGen C3542922, MONDO:0013862, OMIM 614699.

Allele frequency attached by ClinVar (database versions not stated): TOPMed 0.00001; ExAC 0.00001; gnomAD exomes below 0.00001.
gnomAD v4.1: 1 of 1,614,140 alleles (0.000062%); no homozygotes.

Submission:

Labcorp Genetics (formerly Invitae), Labcorp
Classification: Uncertain significance for Immunodeficiency, common variable, 7. Last evaluated: 2023-10-03. Review status: criteria provided, single submitter. Criteria: Invitae Variant Classification Sherloc (09022015). Collection method: clinical testing. Allele origin: germline.
Comment: This sequence change replaces lysine, which is basic and polar, with threonine, which is neutral and polar, at codon 61 of the CR2 protein (p.Lys61Thr). This variant is present in population databases (rs779099901, gnomAD 0.006%). This variant has not been reported in the literature in individuals affected with CR2-related conditions. ClinVar contains an entry for this variant (Variation ID: 1362177). Algorithms developed to predict the effect of missense changes on protein structure and function output the following: SIFT: "Not Available"; PolyPhen-2: "Possibly Damaging"; Align-GVGD: "Not Available". The threonine amino acid residue is found in multiple mammalian species, which suggests that this missense change does not adversely affect protein function. In summary, the available evidence is currently insufficient to determine the role of this variant in disease. Therefore, it has been classified as a Variant of Uncertain Significance.

NM_001006658.3(CR2):c.182A>C (p.Lys61Thr)

Gene: CR2 (complement C3d receptor 2; plus strand). Cytogenetic location: 1q32.2.
Variant type: single nucleotide variant.
Coding change: c.182A>C on transcript NM_001006658.3 (MANE Select); coding-DNA position 182, A replaced by C.
Protein change: p.Lys61Thr; replaces lysine 61 with threonine.
Molecular consequence: missense variant.
Genome position (GRCh38, 1-based): chr1:207,466,649, A>C. VCF-style: chr1-207466649-A-C. GRCh37 (hg19) VCF-style: chr1-207639994-A-C.
Other names: c.182A>C, p.Lys61Thr (NM_001877.5); short protein forms K61T.
Identifiers: ClinVar variation 1362177 (VCV001362177.8), dbSNP rs779099901, ClinGen allele CA1368380.